The following is an entry in ClinVar:

NM_004119.3(FLT3):c.484+8C>T

Gene: FLT3 (fms related receptor tyrosine kinase 3; minus strand). Cytogenetic location: 13q12.2.
Variant type: single nucleotide variant.
Coding change: c.484+8C>T on transcript NM_004119.3 (MANE Select); 8 bases into the intron after coding-DNA position 484, C replaced by T.
Molecular consequence: intron variant.
Genome position (GRCh38, 1-based): chr13:28,057,339, G>A on the plus strand (C>T on the coding strand, the complement: FLT3 is on the minus strand). VCF-style: chr13-28057339-G-A. GRCh37 (hg19) VCF-style: chr13-28631476-G-A.
Identifiers: ClinVar variation 725922 (VCV000725922.7), dbSNP rs41291684, ClinGen allele CA6928923.

ClinVar aggregate classification (germline): Benign. Review status: criteria provided, multiple submitters, no conflicts (2 of 4 stars). 3 submissions from 3 submitters: Benign (2). 1 of the submissions does not count toward it. Last evaluated 2019-12-31.

Conditions:
FLT3-related disorder. Also called: FLT3-related condition.

Allele frequency attached by ClinVar (database versions not stated): 1000 Genomes Project 30x 0.00109; 1000 Genomes Project 0.00120; ESP Exome Variant Server 0.00169; ExAC 0.00180; TOPMed 0.00186; gnomAD 0.00197 and 0.00198.
gnomAD v4.1: 2,264 of 1,148,348 alleles (0.2%); highest among the groups gnomAD compares: Admixed American, 0.28%; 3 homozygotes.

Submissions (3):

Labcorp Genetics (formerly Invitae), Labcorp
Classification: Benign. Last evaluated: 2019-12-31. Review status: criteria provided, single submitter. Criteria: Invitae Variant Classification Sherloc (09022015). Collection method: clinical testing. Allele origin: germline.

Breakthrough Genomics
Classification: Benign. Review status: criteria provided, single submitter. Criteria: ACMG Guidelines, 2015. Collection method: not provided. Allele origin: germline. Inheritance: Autosomal dominant inheritance. Affected: yes.

PreventionGenetics, part of Exact Sciences
Classification: Likely benign for FLT3-related condition. Last evaluated: 2019-09-24. Review status: no assertion criteria provided. Collection method: clinical testing. Allele origin: germline. Not counted in ClinVar's aggregate classification.
Comment: This variant is classified as likely benign based on ACMG/AMP sequence variant interpretation guidelines (Richards et al. 2015 PMID: 25741868, with internal and published modifications).